The following is an entry in ClinVar:

ClinVar aggregate classification (germline): Benign. Review status: criteria provided, multiple submitters, no conflicts (2 of 4 stars). 5 submissions from 5 submitters: Benign (3). 2 of the submissions do not count toward it. Last evaluated 2026-02-01.

Conditions:
IARS2-related disorder. Also called: IARS2-related condition.

Allele frequency attached by ClinVar (database versions not stated): gnomAD exomes 0.00438 and 0.01071; ExAC 0.01456; gnomAD 0.04250 and 0.04558; ESP Exome Variant Server 0.04310; TOPMed 0.04857; 1000 Genomes Project 0.05112; 1000 Genomes Project 30x 0.05450.
gnomAD v4.1: 13,124 of 1,605,590 alleles (0.82%); highest among the groups gnomAD compares: African/African-American, 15%; 845 homozygotes.

Submissions (5):

Labcorp Genetics (formerly Invitae), Labcorp
Classification: Benign. Last evaluated: 2026-02-01. Review status: criteria provided, single submitter. Criteria: Invitae Variant Classification Sherloc (09022015). Collection method: clinical testing. Allele origin: germline.

GeneDx
Classification: Benign. Last evaluated: 2016-02-16. Review status: criteria provided, single submitter. Criteria: GeneDx Variant Classification (06012015). Collection method: clinical testing. Allele origin: germline. Affected: yes.
Comment: This variant is considered likely benign or benign based on one or more of the following criteria: it is a conservative change, it occurs at a poorly conserved position in the protein, it is predicted to be benign by multiple in silico algorithms, and/or has population frequency not consistent with disease.

Breakthrough Genomics
Classification: Benign. Review status: criteria provided, single submitter. Criteria: ACMG Guidelines, 2015. Collection method: not provided. Allele origin: germline. Inheritance: Autosomal recessive inheritance. Affected: yes.

PreventionGenetics, part of Exact Sciences
Classification: Benign for IARS2-related condition. Last evaluated: 2020-01-09. Review status: no assertion criteria provided. Collection method: clinical testing. Allele origin: germline. Not counted in ClinVar's aggregate classification.
Comment: This variant is classified as benign based on ACMG/AMP sequence variant interpretation guidelines (Richards et al. 2015 PMID: 25741868, with internal and published modifications).

Mayo Clinic Laboratories, Mayo Clinic
Classification: Benign. Last evaluated: 2016-02-29. Review status: no assertion criteria provided. Collection method: clinical testing. Allele origin: unknown. Not counted in ClinVar's aggregate classification.

NM_018060.4(IARS2):c.41C>T (p.Ala14Val)

Genes: IARS2 (isoleucyl-tRNA synthetase 2, mitochondrial; plus strand), LOC129932529 (ATAC-STARR-seq lymphoblastoid silent region 1823; plus strand). Cytogenetic location: 1q41.
Variant type: single nucleotide variant.
Coding change: c.41C>T on transcript NM_018060.4 (MANE Select); coding-DNA position 41, C replaced by T.
Protein change: p.Ala14Val; replaces alanine 14 with valine.
Molecular consequence: missense variant.
Genome position (GRCh38, 1-based): chr1:220,094,257, C>T. VCF-style: chr1-220094257-C-T. GRCh37 (hg19) VCF-style: chr1-220267599-C-T.
Other names: short protein forms A14V.
Identifiers: ClinVar variation 381429 (VCV000381429.15), dbSNP rs2577154, ClinGen allele CA1401024.